The following is an entry in ClinVar:

ClinVar aggregate classification (germline): Benign. Review status: criteria provided, single submitter (1 of 4 stars). 2 submissions from 2 submitters: Benign (1). 1 of the submissions does not count toward it. Last evaluated 2019-12-31.

Conditions:
AGMO-related disorder. Also called: AGMO-related condition.

Allele frequency attached by ClinVar (database versions not stated): gnomAD exomes 0.00058 and 0.00144; ExAC 0.00173; 1000 Genomes Project 0.00379; 1000 Genomes Project 30x 0.00390; gnomAD 0.00510 and 0.00553; TOPMed 0.00560; ESP Exome Variant Server 0.00631.
gnomAD v4.1: 1,677 of 1,610,648 alleles (0.1%); highest among the groups gnomAD compares: African/African-American, 1.7%; 14 homozygotes.

Submissions (2):

Labcorp Genetics (formerly Invitae), Labcorp
Classification: Benign. Last evaluated: 2019-12-31. Review status: criteria provided, single submitter. Criteria: Invitae Variant Classification Sherloc (09022015). Collection method: clinical testing. Allele origin: germline.

PreventionGenetics, part of Exact Sciences
Classification: Benign for AGMO-related condition. Last evaluated: 2019-07-01. Review status: no assertion criteria provided. Collection method: clinical testing. Allele origin: germline. Not counted in ClinVar's aggregate classification.
Comment: This variant is classified as benign based on ACMG/AMP sequence variant interpretation guidelines (Richards et al. 2015 PMID: 25741868, with internal and published modifications).

NM_001004320.2(AGMO):c.429C>T (p.Ala143=)

Gene: AGMO (alkylglycerol monooxygenase; minus strand). Cytogenetic location: 7p21.2.
Variant type: single nucleotide variant.
Coding change: c.429C>T on transcript NM_001004320.2 (MANE Select); coding-DNA position 429, C replaced by T.
Protein change: p.Ala143=; no amino-acid change (alanine 143 retained).
Molecular consequence: synonymous variant.
Genome position (GRCh38, 1-based): chr7:15,431,089, G>A on the plus strand (C>T on the coding strand, the complement: AGMO is on the minus strand). VCF-style: chr7-15431089-G-A. GRCh37 (hg19) VCF-style: chr7-15470714-G-A.
Identifiers: ClinVar variation 790038 (VCV000790038.6), dbSNP rs116358801, ClinGen allele CA4168796.